The following is an entry in ClinVar:

NM_006308.3(HSPB3):c.316G>A (p.Glu106Lys)

Gene: HSPB3 (heat shock protein family B (small) member 3; plus strand). Cytogenetic location: 5q11.2.
Variant type: single nucleotide variant.
Coding change: c.316G>A on transcript NM_006308.3 (MANE Select); coding-DNA position 316, G replaced by A.
Protein change: p.Glu106Lys; replaces glutamic acid 106 with lysine.
Molecular consequence: missense variant.
Genome position (GRCh38, 1-based): chr5:54,456,105, G>A. VCF-style: chr5-54456105-G-A. GRCh37 (hg19) VCF-style: chr5-53751935-G-A.
Other names: c.316G>A (NM_006308.2); short protein forms E106K.
Identifiers: ClinVar variation 811167 (VCV000811167.18), dbSNP rs761417751, ClinGen allele CA3264660.
Genomic context (GRCh38, chr5:54,456,105, plus strand): 5'-ATCATTCAGACCTTCGAAGGCTGGCTGCTGATAAAAGCACAACACGGAACCAGAATGGAT[G>A]AGCACGGTTTTATCTCAAGAAGCTTCACCCGACAGTACAAACTACCAGATGGTGTGGAAA-3'
Protein context (NP_006299.1, residues 96-116): IKAQHGTRMD[Glu106Lys]HGFISRSFTR

ClinVar aggregate classification (germline): Uncertain significance. Review status: criteria provided, multiple submitters, no conflicts (2 of 4 stars). 3 submissions from 3 submitters: Uncertain significance (3). Last evaluated 2024-01-15.

Conditions:
Neuronopathy, distal hereditary motor, type 2C. Also called: HMN IIC; NEUROPATHY, DISTAL HEREDITARY MOTOR, AUTOSOMAL DOMINANT 4; NEURONOPATHY, DISTAL HEREDITARY MOTOR, HARDING TYPE IIC; NEUROPATHY, DISTAL HEREDITARY MOTOR, HARDING TYPE IIC. Identifiers: Orphanet 139525, MedGen C3150619, MONDO:0013243, OMIM 613376.

Allele frequency attached by ClinVar (database versions not stated): ExAC 0.00001; gnomAD exomes 0.00001 and 0.00002; TOPMed 0.00001; gnomAD 0.00002.

Submissions (3):

Labcorp Genetics (formerly Invitae), Labcorp
Classification: Uncertain significance for Neuronopathy, distal hereditary motor, type 2C. Last evaluated: 2024-01-15. Review status: criteria provided, single submitter. Criteria: Invitae Variant Classification Sherloc (09022015). Collection method: clinical testing. Allele origin: germline.
Comment: This sequence change replaces glutamic acid, which is acidic and polar, with lysine, which is basic and polar, at codon 106 of the HSPB3 protein (p.Glu106Lys). This variant is present in population databases (rs761417751, gnomAD 0.007%). This variant has not been reported in the literature in individuals affected with HSPB3-related conditions. ClinVar contains an entry for this variant (Variation ID: 811167). An algorithm developed to predict the effect of missense changes on protein structure and function (PolyPhen-2) suggests that this variant is likely to be disruptive. In summary, the available evidence is currently insufficient to determine the role of this variant in disease. Therefore, it has been classified as a Variant of Uncertain Significance.

Ambry Genetics
Classification: Uncertain significance. Last evaluated: 2023-12-18. Review status: criteria provided, single submitter. Criteria: Ambry Variant Classification Scheme 2023. Collection method: clinical testing. Allele origin: germline.

ARUP Laboratories, Molecular Genetics and Genomics, ARUP Laboratories
Classification: Uncertain significance for Neuronopathy, distal hereditary motor, type 2C. Last evaluated: 2018-10-15. Review status: criteria provided, single submitter. Criteria: ARUP Molecular Germline Variant Investigation Process. Collection method: clinical testing. Allele origin: germline.
Comment: The HSPB3 c.316G>A; p.Glu106Lys variant (rs761417751), to our knowledge, is not reported in the medical literature or gene specific databases. This variant is only observed on three alleles in the Genome Aggregation Database, indicating it is not a common polymorphism. The glutamic acid at codon 106 is highly conserved, and computational analyses (SIFT, PolyPhen-2) predict that this variant is deleterious. Due to limited information, the clinical significance of the p.Glu106Lys variant is uncertain at this time.